The following is an entry in ClinVar:

ClinVar aggregate classification (germline): Uncertain significance. Review status: criteria provided, multiple submitters, no conflicts (2 of 4 stars). 2 submissions from 2 submitters: Uncertain significance (2). Last evaluated 2024-12-03.

Conditions:
Hereditary spastic paraplegia 49 (HSAN9). Also called: NEUROPATHY, HEREDITARY SENSORY AND AUTONOMIC, TYPE IX, WITH DEVELOPMENTAL DELAY; Spastic paraplegia 49, autosomal recessive; TECPR2-Related Hereditary Sensory and Autonomic Neuropathy with Intellectual Disability. Identifiers: Orphanet 320385, MedGen C5190860, MONDO:0014016, OMIM 615031.
Inborn genetic diseases. Identifiers: MedGen C0950123, MeSH D030342.

Allele frequency attached by ClinVar (database versions not stated): gnomAD exomes 0.00002; ExAC 0.00003; gnomAD 0.00004; TOPMed 0.00005; 1000 Genomes Project 30x 0.00016; 1000 Genomes Project 0.00020.
gnomAD v4.1: 35 of 1,614,158 alleles (0.0022%); highest among the groups gnomAD compares: Admixed American, 0.025%; no homozygotes.

Submissions (2):

Ambry Genetics
Classification: Uncertain significance for Inborn genetic diseases. Last evaluated: 2024-12-03. Review status: criteria provided, single submitter. Criteria: Ambry Variant Classification Scheme 2023. Collection method: clinical testing. Allele origin: germline.

Labcorp Genetics (formerly Invitae), Labcorp
Classification: Uncertain significance for Hereditary spastic paraplegia 49. Last evaluated: 2024-11-05. Review status: criteria provided, single submitter. Criteria: Invitae Variant Classification Sherloc (09022015). Collection method: clinical testing. Allele origin: germline.
Comment: This sequence change replaces arginine, which is basic and polar, with tryptophan, which is neutral and slightly polar, at codon 872 of the TECPR2 protein (p.Arg872Trp). This variant is present in population databases (rs567083619, gnomAD 0.03%). This variant has not been reported in the literature in individuals affected with TECPR2-related conditions. ClinVar contains an entry for this variant (Variation ID: 2181021). An algorithm developed to predict the effect of missense changes on protein structure and function (PolyPhen-2) suggests that this variant is likely to be disruptive. In summary, the available evidence is currently insufficient to determine the role of this variant in disease. Therefore, it has been classified as a Variant of Uncertain Significance.

NM_014844.5(TECPR2):c.2614C>T (p.Arg872Trp)

Gene: TECPR2 (tectonin beta-propeller repeat containing 2; plus strand). Cytogenetic location: 14q32.31.
Variant type: single nucleotide variant.
Coding change: c.2614C>T on transcript NM_014844.5 (MANE Select); coding-DNA position 2614, C replaced by T.
Protein change: p.Arg872Trp; replaces arginine 872 with tryptophan.
Molecular consequence: missense variant.
Genome position (GRCh38, 1-based): chr14:102,440,471, C>T. VCF-style: chr14-102440471-C-T. GRCh37 (hg19) VCF-style: chr14-102906808-C-T.
Other names: c.2614C>T, p.Arg872Trp (NM_001172631.3); c.2614C>T (NM_014844.3); short protein forms R872W.
Identifiers: ClinVar variation 2181021 (VCV002181021.3), dbSNP rs567083619, ClinGen allele CA7357997.